The following is an entry in ClinVar:

NM_000380.4(XPA):c.571C>G (p.Leu191Val)

Gene: XPA (XPA, DNA damage recognition and repair factor; minus strand). Cytogenetic location: 9q22.33.
Variant type: single nucleotide variant.
Coding change: c.571C>G on transcript NM_000380.4 (MANE Select); coding-DNA position 571, C replaced by G.
Protein change: p.Leu191Val; replaces leucine 191 with valine.
Molecular consequence: missense variant. On other transcripts: non-coding transcript variant (5).
Genome position (GRCh38, 1-based): chr9:97,685,025, G>C on the plus strand (C>G on the coding strand, the complement: XPA is on the minus strand). VCF-style: chr9-97685025-G-C. GRCh37 (hg19) VCF-style: chr9-100447307-G-C.
Other names: c.445C>G, p.Leu149Val (NM_001354975.2); short protein forms L191V, L149V.
Identifiers: ClinVar variation 135458 (VCV000135458.18), dbSNP rs562768588, ClinGen allele CA162832.
Genomic context (GRCh38, chr9:97,685,025, plus strand): 5'-GGTTTTCCTGTCGGACTTCCTTTGCTTCTTCTAATGCTTCTTGACTACCCCAAACTTCAA[G>C]AGACCTCTTCACAATCTACAACACAAAATCCATATTTAAATAAGTTGTGATTCAGACTTG-3'
Protein context (NP_000371.1, residues 181-201): YLKLQIVKRS[Leu191Val]EVWGSQEALE

ClinVar aggregate classification (germline): Conflicting classifications of pathogenicity. Review status: criteria provided, conflicting classifications (1 of 4 stars). 5 submissions from 5 submitters: Uncertain significance (2); Likely benign (1). 2 of the submissions do not count toward it. Last evaluated 2026-01-11.

Conditions:
Xeroderma pigmentosum group A (XPA). Also called: Xeroderma pigmentosum, complementation group A; XP, group A; XPA-Related Xeroderma Pigmentosum. Identifiers: Orphanet 910, MedGen C0268135, MONDO:0010210, OMIM 278700.

Allele frequency attached by ClinVar (database versions not stated): gnomAD 0.00004 and 0.00006; gnomAD exomes 0.00004 and 0.00019; TOPMed 0.00008; 1000 Genomes Project 30x 0.00016; ExAC 0.00016; 1000 Genomes Project 0.00020.
gnomAD v4.1: 72 of 1,613,352 alleles (0.0045%); highest among the groups gnomAD compares: East Asian, 0.16%; no homozygotes.

Submissions (6):

Labcorp Genetics (formerly Invitae), Labcorp
Classification: Likely benign. Last evaluated: 2026-01-11. Review status: criteria provided, single submitter. Criteria: Invitae Variant Classification Sherloc (09022015). Collection method: clinical testing. Allele origin: germline.

Fulgent Genetics
Classification: Uncertain significance for Xeroderma pigmentosum group A. Last evaluated: 2018-10-31. Review status: criteria provided, single submitter. Criteria: ACMG Guidelines, 2015. Collection method: clinical testing. Allele origin: unknown.

Illumina Laboratory Services, Illumina
Classification: Uncertain significance for Xeroderma pigmentosum group A. Last evaluated: 2017-10-29. Review status: criteria provided, single submitter. Criteria: ICSL Variant Classification Criteria 13 December 2019. Collection method: clinical testing. Allele origin: germline.
Comment: This variant was observed as part of a predisposition screen in an ostensibly healthy population. A literature search was performed for the gene, cDNA change, and amino acid change (where applicable). Publications were found based on this search. However, the evidence from the literature, in combination with allele frequency data from public databases where available, was not sufficient to rule this variant in or out of causing disease. Therefore, this variant is classified as a variant of unknown significance.

Counsyl
Classification: Uncertain significance for Xeroderma pigmentosum group A. Last evaluated: 2017-02-24. Review status: no assertion criteria provided. Collection method: clinical testing. Allele origin: unknown. Not counted in ClinVar's aggregate classification.

ITMI
No classification provided. Condition: AllHighlyPenetrant. Last evaluated: 2013-09-19. Review status: no classification provided. Collection method: reference population. Allele origin: germline. Not counted in ClinVar's aggregate classification.
Comment: Please see associated publication for description of ethnicities

Dr. Peter K. Rogan Lab, Western University
No classification provided (evidence only). Condition: Ovarian serous cystadenocarcinoma. Review status: no classification provided. Collection method: in vitro. Allele origin: not applicable. Functional consequence: retained intron. Not counted in ClinVar's aggregate classification.

Literature cited by the submitters: PubMed 24728327 (cited by 3 submitters).